The following is an entry in ClinVar:

ClinVar aggregate classification (germline): Benign/Likely benign. Review status: criteria provided, multiple submitters, no conflicts (2 of 4 stars). 4 submissions from 4 submitters: Benign (1); Likely benign (3). Last evaluated 2025-08-11.

Conditions:
LRP5-related disorder. Also called: LRP5-related condition.
Bone mineral density quantitative trait locus 1 (BMND1). Identifiers: MedGen C1866079, OMIM 601884.
Worth disease. Also called: ENDOSTEAL HYPEROSTOSIS, AUTOSOMAL DOMINANT; OSTEOSCLEROSIS, AUTOSOMAL DOMINANT; Autosomal dominant osteosclerosis, Worth type. Identifiers: Orphanet 2790, MedGen C0432273, MONDO:0007764, OMIM 144750.
Polycystic liver disease 4 with or without kidney cysts. Identifiers: MedGen C4693479, MONDO:0044327, OMIM 617875.
Osteoporosis. Identifiers: MedGen C0029456, MONDO:0005298, OMIM 166710, HP:0000939.
Exudative vitreoretinopathy 4 (EVR4). Identifiers: Orphanet 891, MedGen C1866176, MONDO:0011151, OMIM 601813.
Exudative vitreoretinopathy 1 (EVR1). Also called: CRISWICK-SCHEPENS SYNDROME; FEVR, AUTOSOMAL DOMINANT; Familial exudative vitreoretinopathy, autosomal dominant. Identifiers: Orphanet 891, Orphanet 90050, MedGen C1851402, MONDO:0007589, OMIM 133780.
Osteoporosis with pseudoglioma (OPPG). Also called: osteoporosis-pseudoglioma syndrome. Identifiers: Orphanet 2788, MedGen C0432252, MONDO:0009820, OMIM 259770.
Autosomal dominant osteopetrosis 1 (OPTA1). Also called: OSTEOPETROSIS, AUTOSOMAL DOMINANT, TYPE I. Identifiers: Orphanet 2783, MedGen C1843330, MONDO:0011877, OMIM 607634.

Allele frequency attached by ClinVar (database versions not stated): gnomAD 0.00003 and 0.00009; TOPMed 0.00003; 1000 Genomes Project 30x 0.00016; 1000 Genomes Project 0.00020; ExAC 0.00024; gnomAD exomes 0.00035.
gnomAD v4.1: 203 of 1,415,178 alleles (0.014%); highest among the groups gnomAD compares: South Asian, 0.17%; 1 homozygote.

Submissions (4):

Labcorp Genetics (formerly Invitae), Labcorp
Classification: Benign. Last evaluated: 2025-08-11. Review status: criteria provided, single submitter. Criteria: Invitae Variant Classification Sherloc (09022015). Collection method: clinical testing. Allele origin: germline.

PreventionGenetics, part of Exact Sciences
Classification: Likely benign for LRP5-related condition. Last evaluated: 2025-01-22. Review status: criteria provided, single submitter. Criteria: ACMG Guidelines, 2015. Collection method: clinical testing. Allele origin: germline.
Comment: This variant is classified as likely benign based on ACMG/AMP sequence variant interpretation guidelines (Richards et al. 2015 PMID: 25741868, with internal and published modifications).

Blueprint Genetics
Classification: Likely benign. Last evaluated: 2024-06-10. Review status: criteria provided, single submitter. Criteria: ACMG Guidelines, 2015. Collection method: clinical testing. Allele origin: germline.

Fulgent Genetics
Classification: Likely benign for Exudative vitreoretinopathy 1; Worth disease; Osteoporosis; Osteoporosis with pseudoglioma; Exudative vitreoretinopathy 4; Bone mineral density quantitative trait locus 1; Autosomal dominant osteopetrosis 1; Polycystic liver disease 4 with or without kidney cysts. Last evaluated: 2021-09-28. Review status: criteria provided, single submitter. Criteria: ACMG Guidelines, 2015. Collection method: clinical testing. Allele origin: unknown.

NM_002335.4(LRP5):c.883+9C>T

Gene: LRP5 (LDL receptor related protein 5; plus strand). Cytogenetic location: 11q13.2.
Variant type: single nucleotide variant.
Coding change: c.883+9C>T on transcript NM_002335.4 (MANE Select); 9 bases into the intron after coding-DNA position 883, C replaced by T.
Molecular consequence: intron variant.
Genome position (GRCh38, 1-based): chr11:68,363,952, C>T. VCF-style: chr11-68363952-C-T. GRCh37 (hg19) VCF-style: chr11-68131420-C-T.
Other names: c.883+9C>T (NM_002335.3); c.-883+9C>T (NM_001291902.2).
Identifiers: ClinVar variation 1640494 (VCV001640494.11), dbSNP rs543311335, ClinGen allele CA6149125.